The following is an entry in ClinVar:

ClinVar aggregate classification (germline): Uncertain significance. Review status: criteria provided, multiple submitters, no conflicts (2 of 4 stars). 2 submissions from 2 submitters: Uncertain significance (2). Last evaluated 2017-03-02.

Conditions:
Cardiovascular phenotype. Identifiers: MedGen CN230736.

Allele frequency attached by ClinVar (database versions not stated): gnomAD exomes 0.00002.
gnomAD v4.1: 23 of 1,611,104 alleles (0.0014%); highest among the groups gnomAD compares: East Asian, 0.0022%; no homozygotes.

Submissions (2):

Ambry Genetics
Classification: Uncertain significance for Cardiovascular phenotype. Last evaluated: 2017-03-02. Review status: criteria provided, single submitter. Criteria: Ambry Variant Classification Scheme 2023. Collection method: clinical testing. Allele origin: germline.
Comment: The p.G18864R variant (also known as c.56590G>A), located in coding exon 153 of the TTN gene, results from a G to A substitution at nucleotide position 56590. The glycine at codon 18864 is replaced by arginine, an amino acid with dissimilar properties. This alteration has been reported as a secondary cardiac variant in an exome cohort (Ng D et al. Circ Cardiovasc Genet, 2013 Aug;6:337-46). This amino acid position is highly conserved in available vertebrate species. In addition, the in silico prediction for this alteration is inconclusive. Since supporting evidence is limited at this time, the clinical significance of this alteration remains unclear.

Biesecker Lab/Clinical Genomics Section, National Institutes of Health
Classification: Uncertain significance. Last evaluated: 2013-06-24. Review status: criteria provided, single submitter. Criteria: Ng et al. (Circ Cardiovasc Genet. 2013). Collection method: research. Allele origin: unknown. Observed: 1 variant allele. Study: ClinSeq.
Comment: The study set was not selected for affection status in relation to any cancer. Pathogenicity categories were based on literature curation. See Pubmed ID:23861362 for details.

Medical sequencing

Literature cited by the submitters: PubMed 23861362 (cited by Ambry Genetics).

NM_001267550.2(TTN):c.83785G>A (p.Gly27929Arg)

Genes: TTN (titin; minus strand), TTN-AS1 (TTN antisense RNA 1; plus strand). Cytogenetic location: 2q31.2.
Variant type: single nucleotide variant.
Coding change: c.83785G>A on transcript NM_001267550.2 (MANE Select); coding-DNA position 83785, G replaced by A.
Protein change: p.Gly27929Arg; replaces glycine 27929 with arginine.
Molecular consequence: missense variant.
Genome position (GRCh38, 1-based): chr2:178,562,347, C>T on the plus strand (G>A on the coding strand, the complement: TTN is on the minus strand). VCF-style: chr2-178562347-C-T. GRCh37 (hg19) VCF-style: chr2-179427074-C-T.
Other names: c.78862G>A, p.Gly26288Arg (NM_001256850.1); c.56590G>A, p.Gly18864Arg (NM_003319.4); c.76081G>A, p.Gly25361Arg (NM_133378.4); c.56965G>A, p.Gly18989Arg (NM_133432.3); c.57166G>A, p.Gly19056Arg (NM_133437.4); short protein forms G25361R, G27929R, G18864R, G19056R, G18989R, G26288R.
Identifiers: ClinVar variation 191873 (VCV000191873.5), dbSNP rs786205297, ClinGen allele CA237755.